The following is an entry in ClinVar:

ClinVar aggregate classification (germline): Pathogenic (1 of 4 stars; one submission).

Submission:

Labcorp Genetics (formerly Invitae), Labcorp
Classification: Pathogenic. Last evaluated: 2022-03-26. Review status: criteria provided, single submitter. Criteria: Invitae Variant Classification Sherloc (09022015). Collection method: clinical testing. Allele origin: germline.
Comment: This variant is a gross deletion of the genomic region encompassing exon(s) 12 of the CERKL gene. This deletion is out-of-frame, and is expected to create a premature termination codon and result in an absent or disrupted protein product. Loss-of-function variants in CERKL are known to be pathogenic (PMID: 14681825, 23591405, 24043777). This variant has not been reported in the literature in individuals affected with CERKL-related conditions. For these reasons, this variant has been classified as Pathogenic.

Literature cited by the submitters: PubMed 14681825; PubMed 23591405; PubMed 24043777.

NC_000002.12:g.(?_181544690)_(181544806_?)del

Gene: CERKL (ceramide kinase like; minus strand). Cytogenetic location: 2q31.3.
Variant type: Deletion.
Identifiers: ClinVar variation 831889 (VCV000831889.2).